The following is an entry in ClinVar:

NM_024675.4(PALB2):c.1447_1448del (p.Ser483fs)

Gene: PALB2 (partner and localizer of BRCA2; minus strand). Cytogenetic location: 16p12.2.
Variant type: Microsatellite.
Coding change: c.1447_1448del on transcript NM_024675.4 (MANE Select); coding-DNA positions 1447 to 1448, 2 bases deleted (TC; older notation c.1447_1448delTC).
Protein change: p.Ser483fs; shifts the reading frame from serine 483.
Molecular consequence: frameshift variant.
Genome position (GRCh38, 1-based): chr16:23,635,098-23,635,099, GA deleted on the plus strand (TC on the coding strand, the reverse complement: PALB2 is on the minus strand); deleting any 2 consecutive bases within chr16:23,635,098-23,635,103 gives the same sequence; the c. name uses the placement nearest the transcript's 3' end. VCF-style (leftmost placement, unchanged base first): chr16-23635097-TGA-T. GRCh37 (hg19) VCF-style: chr16-23646418-TGA-T.
Other names: c.1447_1448delTC (NM_024675.3); short protein forms S483fs.
Identifiers: ClinVar variation 926553 (VCV000926553.13), dbSNP rs1966967463, ClinGen allele CA913188787.

ClinVar aggregate classification (germline): Pathogenic. Review status: criteria provided, multiple submitters, no conflicts (2 of 4 stars). 4 submissions from 4 submitters: Pathogenic (4). Last evaluated 2023-09-08.

Conditions:
Hereditary cancer-predisposing syndrome. Also called: Neoplastic Syndromes, Hereditary; Tumor predisposition; Hereditary Cancer Syndrome; Hereditary neoplastic syndrome. Identifiers: Orphanet 140162, MedGen C0027672, MeSH D009386, MONDO:0015356.
Familial cancer of breast. Also called: BREAST CANCER, FAMILIAL; Hereditary breast cancer; hereditary breast carcinoma. Identifiers: Orphanet 227535, MedGen C0346153, MONDO:0016419, OMIM 114480. Disease mechanism: loss of function.

Submissions (4):

Myriad Genetics, Inc.
Classification: Pathogenic for Familial cancer of breast. Last evaluated: 2023-09-08. Review status: criteria provided, single submitter. Criteria: Myriad Autosomal Dominant, Autosomal Recessive and X-Linked Classification Criteria (2023). Collection method: clinical testing. Allele origin: unknown.
Comment: This variant is considered pathogenic. This variant creates a frameshift predicted to result in premature protein truncation.

Labcorp Genetics (formerly Invitae), Labcorp
Classification: Pathogenic for Familial cancer of breast. Last evaluated: 2022-10-13. Review status: criteria provided, single submitter. Criteria: Invitae Variant Classification Sherloc (09022015). Collection method: clinical testing. Allele origin: germline.
Comment: This sequence change creates a premature translational stop signal (p.Ser483Ilefs*3) in the PALB2 gene. It is expected to result in an absent or disrupted protein product. Loss-of-function variants in PALB2 are known to be pathogenic (PMID: 17200668, 17200671, 17200672, 24136930, 25099575). This variant is not present in population databases (gnomAD no frequency). This variant has not been reported in the literature in individuals affected with PALB2-related conditions. ClinVar contains an entry for this variant (Variation ID: 926553). For these reasons, this variant has been classified as Pathogenic.

Ambry Genetics
Classification: Pathogenic for Hereditary cancer-predisposing syndrome. Last evaluated: 2022-06-07. Review status: criteria provided, single submitter. Criteria: Ambry Variant Classification Scheme 2023. Collection method: clinical testing. Allele origin: germline.
Comment: The c.1447_1448delTC pathogenic mutation, located in coding exon 4 of the PALB2 gene, results from a deletion of two nucleotides at nucleotide positions 1447 to 1448, causing a translational frameshift with a predicted alternate stop codon (p.S483Ifs*3). This alteration is expected to result in loss of function by premature protein truncation or nonsense-mediated mRNA decay. As such, this alteration is interpreted as a disease-causing mutation.

Color Diagnostics, LLC DBA Color Health
Classification: Pathogenic for Hereditary cancer-predisposing syndrome. Last evaluated: 2020-01-15. Review status: criteria provided, single submitter. Criteria: ACMG Guidelines, 2015. Collection method: clinical testing. Allele origin: germline.
Comment: This variant deletes 2 nucleotides in exon 4 of the PALB2 gene, creating a frameshift and premature translation stop signal. This variant is expected to result in an absent or non-functional protein product. This variant has not been identified in the general population by the Genome Aggregation Database (gnomAD). Loss of PALB2 function is a known mechanism of disease. Based on the available evidence, this variant is classified as Pathogenic.

Literature cited by the submitters: PubMed 17200668 (cited by Labcorp Genetics (formerly Invitae), Labcorp); PubMed 17200671 (cited by Labcorp Genetics (formerly Invitae), Labcorp); PubMed 17200672 (cited by Labcorp Genetics (formerly Invitae), Labcorp); PubMed 24136930 (cited by Labcorp Genetics (formerly Invitae), Labcorp); PubMed 25099575 (cited by Labcorp Genetics (formerly Invitae), Labcorp).